The following is an entry in ClinVar:

ClinVar aggregate classification (germline): Likely benign (1 of 4 stars; one submission).

Allele frequency attached by ClinVar (database versions not stated): gnomAD 0.00001 and 0.00021; gnomAD exomes 0.00049 and 0.00072; ExAC 0.00091; 1000 Genomes Project 30x 0.00094; 1000 Genomes Project 0.00120.
gnomAD v4.1: 708 of 1,528,970 alleles (0.046%); highest among the groups gnomAD compares: South Asian, 0.83%; 12 homozygotes.

Submission:

GeneDx
Classification: Likely benign. Last evaluated: 2021-11-13. Review status: criteria provided, single submitter. Criteria: GeneDx Variant Classification Process June 2021. Collection method: clinical testing. Allele origin: germline. Affected: yes.
Comment: See Variant Classification Assertion Criteria.

NM_001743.6(CALM2):c.35-31G>A

Gene: CALM2 (calmodulin 2; minus strand). Cytogenetic location: 2p21.
Variant type: single nucleotide variant.
Coding change: c.35-31G>A on transcript NM_001743.6 (MANE Select); 31 bases into the intron before coding-DNA position 35, G replaced by A.
Molecular consequence: intron variant.
Genome position (GRCh38, 1-based): chr2:47,162,693, C>T on the plus strand (G>A on the coding strand, the complement: CALM2 is on the minus strand). VCF-style: chr2-47162693-C-T. GRCh37 (hg19) VCF-style: chr2-47389832-C-T.
Other names: c.179-31G>A (NM_001305624.1); c.-74-31G>A (NM_001305626.1, NM_001305625.2).
Identifiers: ClinVar variation 1684055 (VCV001684055.2), dbSNP rs563015378, ClinGen allele CA1648605.
Genomic context (GRCh38, chr2:47,162,693, plus strand): 5'-TGTCAAATAGTGAAAAAGCTTCTTTGAATTCTGTTTGAAAGAAAGACCACAATCCAAATA[C>T]ACAGATTAATAATAAAATGTAACCTAAATGAAACGTATTAACTCTTAAAGCCTACTCAGT-3'